The following is an entry in ClinVar:

ClinVar aggregate classification (germline): Uncertain significance. Review status: criteria provided, multiple submitters, no conflicts (2 of 4 stars). 4 submissions from 4 submitters: Uncertain significance (4). Last evaluated 2025-01-24.

Conditions:
Hypertrophic cardiomyopathy 26. Also called: Cardiomyopathy, familial hypertrophic, 26. Identifiers: Orphanet 75249, MedGen C4310749, MONDO:0014883, OMIM 617047.
Distal myopathy with posterior leg and anterior hand involvement. Also called: WILLIAMS DISTAL MYOPATHY. Identifiers: Orphanet 63273, MedGen C3279722, MONDO:0013550, OMIM 614065.
Myofibrillar myopathy 5. Also called: Filaminopathy (type); FILAMINOPATHY, AUTOSOMAL DOMINANT. Identifiers: Orphanet 171445, MedGen C1836050, MONDO:0012289, OMIM 609524.
Cardiovascular phenotype. Identifiers: MedGen CN230736.

Submissions (4):

Women's Health and Genetics/Laboratory Corporation of America, LabCorp
Classification: Uncertain significance. Last evaluated: 2025-01-24. Review status: criteria provided, single submitter. Criteria: LabCorp Variant Classification Summary - May 2015. Collection method: clinical testing. Allele origin: germline.

Labcorp Genetics (formerly Invitae), Labcorp
Classification: Uncertain significance for Distal myopathy with posterior leg and anterior hand involvement; Myofibrillar myopathy 5; Hypertrophic cardiomyopathy 26. Last evaluated: 2024-05-23. Review status: criteria provided, single submitter. Criteria: Invitae Variant Classification Sherloc (09022015). Collection method: clinical testing. Allele origin: germline.
Comment: This sequence change replaces asparagine, which is neutral and polar, with lysine, which is basic and polar, at codon 748 of the FLNC protein (p.Asn748Lys). The frequency data for this variant in the population databases is considered unreliable, as metrics indicate poor data quality at this position in the gnomAD database. This variant has not been reported in the literature in individuals affected with FLNC-related conditions. ClinVar contains an entry for this variant (Variation ID: 284432). Advanced modeling of protein sequence and biophysical properties (such as structural, functional, and spatial information, amino acid conservation, physicochemical variation, residue mobility, and thermodynamic stability) has been performed at Invitae for this missense variant, however the output from this modeling did not meet the statistical confidence thresholds required to predict the impact of this variant on FLNC protein function. In summary, the available evidence is currently insufficient to determine the role of this variant in disease. Therefore, it has been classified as a Variant of Uncertain Significance.

Ambry Genetics
Classification: Uncertain significance for Cardiovascular phenotype. Last evaluated: 2023-12-22. Review status: criteria provided, single submitter. Criteria: Ambry Variant Classification Scheme 2023. Collection method: clinical testing. Allele origin: germline.
Comment: The p.N748K variant (also known as c.2244C>A), located in coding exon 14 of the FLNC gene, results from a C to A substitution at nucleotide position 2244. The asparagine at codon 748 is replaced by lysine, an amino acid with similar properties. This amino acid position is conserved. In addition, this alteration is predicted to be tolerated by in silico analysis. Since supporting evidence is limited at this time, the clinical significance of this alteration remains unclear.

Eurofins Ntd Llc (ga)
Classification: Uncertain significance. Last evaluated: 2015-11-03. Review status: criteria provided, single submitter. Criteria: EGL Classification Definitions 2015. Collection method: clinical testing. Allele origin: germline. Observed: 1 variant allele, 1 heterozygote.

NM_001458.5(FLNC):c.2244C>A (p.Asn748Lys)

Gene: FLNC (filamin C; plus strand). Cytogenetic location: 7q32.1.
Variant type: single nucleotide variant.
Coding change: c.2244C>A on transcript NM_001458.5 (MANE Select); coding-DNA position 2244, C replaced by A.
Protein change: p.Asn748Lys; replaces asparagine 748 with lysine.
Molecular consequence: missense variant.
Genome position (GRCh38, 1-based): chr7:128,842,353, C>A. VCF-style: chr7-128842353-C-A. GRCh37 (hg19) VCF-style: chr7-128482407-C-A.
Other names: c.2244C>A (NM_001458.4); c.2244C>A, p.Asn748Lys (NM_001127487.2); short protein forms N748K.
Identifiers: ClinVar variation 284432 (VCV000284432.10), dbSNP rs752145129, ClinGen allele CA4474648.